The following is an entry in ClinVar:

NM_016203.4(PRKAG2):c.1642T>G (p.Ser548Ala)

Gene: PRKAG2 (protein kinase AMP-activated non-catalytic subunit gamma 2; minus strand). Cytogenetic location: 7q36.1.
Variant type: single nucleotide variant.
Coding change: c.1642T>G on transcript NM_016203.4 (MANE Select); coding-DNA position 1642, T replaced by G.
Protein change: p.Ser548Ala; replaces serine 548 with alanine.
Molecular consequence: missense variant.
Genome position (GRCh38, 1-based): chr7:151,560,560, A>C on the plus strand (T>G on the coding strand, the complement: PRKAG2 is on the minus strand). VCF-style: chr7-151560560-A-C. GRCh37 (hg19) VCF-style: chr7-151257646-A-C.
Other names: c.1510T>G, p.Ser504Ala (NM_001040633.2, NM_001407024.1); c.1267T>G, p.Ser423Ala (NM_001304527.2, NM_001407029.1); c.919T>G, p.Ser307Ala (NM_001304531.2, NM_001407034.1, NM_001407035.1 and 1 more transcripts); c.1270T>G, p.Ser424Ala (NM_001363698.2, NM_001407028.1); c.1642T>G, p.Ser548Ala (NM_001407021.1); c.1639T>G, p.Ser547Ala (NM_001407022.1, NM_001407023.1); c.1507T>G, p.Ser503Ala (NM_001407026.1, NM_001407027.1); c.1354T>G, p.Ser452Ala (NM_001407030.1); and 6 more; short protein forms S440A, S451A, S452A, S323A, S327A, S423A, S503A, S547A.
Identifiers: ClinVar variation 2030739 (VCV002030739.4), dbSNP rs267606979, ClinGen allele CA370070299.

ClinVar aggregate classification (germline): Likely pathogenic (1 of 4 stars; one submission).

Conditions:
Lethal congenital glycogen storage disease of heart. Also called: GLYCOGEN STORAGE DISEASE OF HEART; PHOSPHORYLASE KINASE DEFICIENCY OF HEART. Identifiers: Orphanet 439854, MedGen C1849813, MONDO:0009867, OMIM 261740.

Submission:

Labcorp Genetics (formerly Invitae), Labcorp
Classification: Likely pathogenic for Lethal congenital glycogen storage disease of heart. Last evaluated: 2023-08-30. Review status: criteria provided, single submitter. Criteria: Invitae Variant Classification Sherloc (09022015). Collection method: clinical testing. Allele origin: germline.
Comment: This sequence change replaces serine, which is neutral and polar, with alanine, which is neutral and non-polar, at codon 548 of the PRKAG2 protein (p.Ser548Ala). This variant disrupts the p.Ser548 amino acid residue in PRKAG2. Other variant(s) that disrupt this residue have been observed in individuals with PRKAG2-related conditions (PMID: 16487706, 32646569; Invitae), which suggests that this may be a clinically significant amino acid residue. This variant is not present in population databases (gnomAD no frequency). This missense change has been observed in individual(s) with clinical features of PRKAG2-related conditions (Invitae). It has also been observed to segregate with disease in related individuals. ClinVar contains an entry for this variant (Variation ID: 2030739). Advanced modeling of protein sequence and biophysical properties (such as structural, functional, and spatial information, amino acid conservation, physicochemical variation, residue mobility, and thermodynamic stability) has been performed at Invitae for this missense variant, however the output from this modeling did not meet the statistical confidence thresholds required to predict the impact of this variant on PRKAG2 protein function. In summary, the currently available evidence indicates that the variant is pathogenic, but additional data are needed to prove that conclusively. Therefore, this variant has been classified as Likely Pathogenic.

Literature cited by the submitters: PubMed 16487706; PubMed 32646569.